The following is an entry in ClinVar:

NM_006899.5(IDH3B):c.901G>A (p.Ala301Thr)

Gene: IDH3B (isocitrate dehydrogenase (NAD(+)) 3 non-catalytic subunit beta; minus strand). Cytogenetic location: 20p13.
Variant type: single nucleotide variant.
Coding change: c.901G>A on transcript NM_006899.5 (MANE Select); coding-DNA position 901, G replaced by A.
Protein change: p.Ala301Thr; replaces alanine 301 with threonine.
Molecular consequence: missense variant. On other transcripts: non-coding transcript variant (1).
Genome position (GRCh38, 1-based): chr20:2,660,044, C>T on the plus strand (G>A on the coding strand, the complement: IDH3B is on the minus strand). VCF-style: chr20-2660044-C-T. GRCh37 (hg19) VCF-style: chr20-2640690-C-T.
Other names: c.901G>A, p.Ala301Thr (NM_001258384.3, NM_001330763.2, NM_174855.4); short protein forms A301T.
Identifiers: ClinVar variation 1467034 (VCV001467034.8), dbSNP rs780655798, ClinGen allele CA9735157.

ClinVar aggregate classification (germline): Uncertain significance (1 of 4 stars; one submission).

Allele frequency attached by ClinVar (database versions not stated): gnomAD exomes below 0.00001; ExAC 0.00001; TOPMed 0.00001.
gnomAD v4.1: 5 of 1,614,096 alleles (0.00031%); highest among the groups gnomAD compares: South Asian, 0.0011%; no homozygotes.

Submission:

Labcorp Genetics (formerly Invitae), Labcorp
Classification: Uncertain significance. Last evaluated: 2023-02-20. Review status: criteria provided, single submitter. Criteria: Invitae Variant Classification Sherloc (09022015). Collection method: clinical testing. Allele origin: germline.
Comment: In summary, the available evidence is currently insufficient to determine the role of this variant in disease. Therefore, it has been classified as a Variant of Uncertain Significance. Advanced modeling of protein sequence and biophysical properties (such as structural, functional, and spatial information, amino acid conservation, physicochemical variation, residue mobility, and thermodynamic stability) performed at Invitae indicates that this missense variant is not expected to disrupt IDH3B protein function. ClinVar contains an entry for this variant (Variation ID: 1467034). This variant has not been reported in the literature in individuals affected with IDH3B-related conditions. This variant is not present in population databases (gnomAD no frequency). This sequence change replaces alanine, which is neutral and non-polar, with threonine, which is neutral and polar, at codon 301 of the IDH3B protein (p.Ala301Thr).